The following is an entry in ClinVar:

ClinVar aggregate classification (germline): Conflicting classifications of pathogenicity. Review status: criteria provided, conflicting classifications (1 of 4 stars). 2 submissions from 2 submitters: Uncertain significance (1); Likely benign (1). Last evaluated 2025-04-13.

Conditions:
Inborn genetic diseases. Identifiers: MedGen C0950123, MeSH D030342.

Allele frequency attached by ClinVar (database versions not stated): TOPMed 0.00005; ExAC 0.00008; ESP Exome Variant Server 0.00015; 1000 Genomes Project 0.00020; 1000 Genomes Project 30x 0.00031.
gnomAD v4.1: 55 of 1,613,598 alleles (0.0034%); highest among the groups gnomAD compares: Admixed American, 0.017%; no homozygotes.

Submissions (2):

Ambry Genetics
Classification: Uncertain significance for Inborn genetic diseases. Last evaluated: 2025-04-13. Review status: criteria provided, single submitter. Criteria: Ambry Variant Classification Scheme 2023. Collection method: clinical testing. Allele origin: germline.

CeGaT Center for Human Genetics Tuebingen
Classification: Likely benign. Last evaluated: 2023-02-01. Review status: criteria provided, single submitter. Criteria: CeGaT Center For Human Genetics Tuebingen Variant Classification Criteria Version 2. Collection method: clinical testing. Allele origin: germline. Affected: yes. Observed: 1 variant allele.
Comment: TG: BP4

NM_003235.5(TG):c.7249G>A (p.Ala2417Thr)

Genes: SLA (Src like adaptor; minus strand), TG (thyroglobulin; plus strand). Cytogenetic location: 8q24.22.
Variant type: single nucleotide variant.
Coding change: c.7249G>A on transcript NM_003235.5 (MANE Select); coding-DNA position 7249, G replaced by A.
Protein change: p.Ala2417Thr; replaces alanine 2417 with threonine.
Molecular consequence: missense variant. On other transcripts: intron variant (4).
Genome position (GRCh38, 1-based): chr8:133,095,053, G>A. VCF-style: chr8-133095053-G-A. GRCh37 (hg19) VCF-style: chr8-134107297-G-A.
Other names: c.-264+7500C>T (NM_001282965.2); c.11+7500C>T (NM_001282964.2, NM_001045557.3); c.-319+7500C>T (NM_001045556.3); c.7249G>A (NM_003235.4); short protein forms A2417T.
Identifiers: ClinVar variation 2658842 (VCV002658842.24), dbSNP rs139465983, ClinGen allele CA4885583.